The following is an entry in ClinVar:

ClinVar aggregate classification (germline): Uncertain significance (1 of 4 stars; one submission).

Submission:

GeneDx
Classification: Uncertain significance. Last evaluated: 2023-10-13. Review status: criteria provided, single submitter. Criteria: GeneDx Variant Classification Process June 2021. Collection method: clinical testing. Allele origin: germline. Affected: yes.
Comment: Not observed at significant frequency in large population cohorts (gnomAD); In silico analysis supports that this missense variant has a deleterious effect on protein structure/function; Has not been previously published as pathogenic or benign to our knowledge

NM_130839.5(UBE3A):c.1696G>C (p.Gly566Arg)

Genes: SNHG14 (small nucleolar RNA host gene 14; plus strand), UBE3A (ubiquitin protein ligase E3A; minus strand). Cytogenetic location: 15q11.2.
Variant type: single nucleotide variant.
Coding change: c.1696G>C on transcript NM_130839.5 (MANE Select); coding-DNA position 1696, G replaced by C.
Protein change: p.Gly566Arg; replaces glycine 566 with arginine.
Molecular consequence: missense variant. On other transcripts: non-coding transcript variant (1).
Genome position (GRCh38, 1-based): chr15:25,360,440, C>G on the plus strand (G>C on the coding strand, the complement: UBE3A is on the minus strand). VCF-style: chr15-25360440-C-G. GRCh37 (hg19) VCF-style: chr15-25605587-C-G.
Other names: c.1705G>C, p.Gly569Arg (NM_000462.5); c.1696G>C, p.Gly566Arg (NM_001354505.1, NM_001354538.2, NM_001354545.2); c.1636G>C, p.Gly546Arg (NM_001354506.2, NM_001354507.2, NM_001354508.2 and 17 more transcripts); c.1519G>C, p.Gly507Arg (NM_001354546.2); c.445G>C, p.Gly149Arg (NM_001354550.2); c.385G>C, p.Gly129Arg (NM_001354551.2); short protein forms G129R, G149R, G507R, G546R, G566R, G569R.
Identifiers: ClinVar variation 3366089 (VCV003366089.1).